The following is an entry in ClinVar:

NM_001267550.2(TTN):c.67495C>G (p.Arg22499Gly)

Genes: TTN (titin; minus strand), TTN-AS1 (TTN antisense RNA 1; plus strand), LOC126806423 (CDK7 strongly-dependent group 2 enhancer GRCh37_chr2:179443309-179444508; plus strand). Cytogenetic location: 2q31.2.
Variant type: single nucleotide variant.
Coding change: c.67495C>G on transcript NM_001267550.2 (MANE Select); coding-DNA position 67495, C replaced by G.
Protein change: p.Arg22499Gly; replaces arginine 22499 with glycine.
Molecular consequence: missense variant.
Genome position (GRCh38, 1-based): chr2:178,579,702, G>C on the plus strand (C>G on the coding strand, the complement: TTN is on the minus strand). VCF-style: chr2-178579702-G-C. GRCh37 (hg19) VCF-style: chr2-179444429-G-C.
Other names: c.62572C>G, p.Arg20858Gly (NM_001256850.1); c.40300C>G, p.Arg13434Gly (NM_003319.4); c.59791C>G, p.Arg19931Gly (NM_133378.4); c.40675C>G, p.Arg13559Gly (NM_133432.3); c.40876C>G, p.Arg13626Gly (NM_133437.4); short protein forms R13434G, R22499G, R13626G, R20858G, R13559G, R19931G.
Identifiers: ClinVar variation 519152 (VCV000519152.5), dbSNP rs574660186, ClinGen allele CA349423629.
Genomic context (GRCh38, chr2:178,579,702, plus strand): 5'-ATTCCTTCCCTTCAGTCAAATCTTTTGCAGAGTACTGTAGGCTTAAGGATTTCATAACTC[G>C]TTGCCACTTATTTTCTTCAGTCAGGAAATCAACTACATATCCAATAATCCGACTTCCACC-3'
Protein context (NP_001254479.2, residues 22489-22509): DFLTEENKWQ[Arg22499Gly]VMKSLSLQYS

ClinVar aggregate classification (germline): Uncertain significance (1 of 4 stars; one submission).

Conditions:
Cardiovascular phenotype. Identifiers: MedGen CN230736.

Submission:

Ambry Genetics
Classification: Uncertain significance for Cardiovascular phenotype. Last evaluated: 2017-02-16. Review status: criteria provided, single submitter. Criteria: Ambry Variant Classification Scheme 2023. Collection method: clinical testing. Allele origin: germline.
Comment: The p.R13434G variant (also known as c.40300C>G), located in coding exon 146 of the TTN gene, results from a C to G substitution at nucleotide position 40300. The arginine at codon 13434 is replaced by glycine, an amino acid with dissimilar properties. This amino acid position is not well conserved in available vertebrate species. In addition, this alteration is predicted to be tolerated by in silico analysis. Since supporting evidence is limited at this time, the clinical significance of this alteration remains unclear.